The following is an entry in ClinVar:

NM_000466.3(PEX1):c.2142_2143del (p.Gln715fs)

Gene: PEX1 (peroxisomal biogenesis factor 1; minus strand). Cytogenetic location: 7q21.2.
Variant type: Microsatellite.
Coding change: c.2142_2143del on transcript NM_000466.3 (MANE Select); coding-DNA positions 2142 to 2143, 2 bases deleted (TC; older notation c.2142_2143delTC).
Protein change: p.Gln715fs; shifts the reading frame from glutamine 715.
Molecular consequence: frameshift variant.
Genome position (GRCh38, 1-based): chr7:92,503,124-92,503,125, GA deleted on the plus strand (TC on the coding strand, the reverse complement: PEX1 is on the minus strand); deleting any 2 consecutive bases within chr7:92,503,124-92,503,127 gives the same sequence; the c. name uses the placement nearest the transcript's 3' end. VCF-style (leftmost placement, unchanged base first): chr7-92503123-TGA-T. GRCh37 (hg19) VCF-style: chr7-92132437-TGA-T.
Other names: c.1971_1972del, p.Gln658fs (NM_001282677.2); c.1518_1519del, p.Gln507fs (NM_001282678.2); short protein forms Q507fs, Q658fs, Q715fs.
Identifiers: ClinVar variation 1724587 (VCV001724587.3), dbSNP rs2484664984, ClinGen allele CA2580615927.
Genomic context (GRCh38, chr7:92,503,123, plus strand): 5'-TGGACGCACTGAAATATGTGAACTCCTTGAGCAGAAACAAGTAAAGGATGTAGAGATTGC[TGA>T]GACTGACTTGTGGCAATCAGTGCAACCAAACTTCCCATGGAGATAAACTCTTTTATCATA-3'

ClinVar aggregate classification (germline): Likely pathogenic (1 of 4 stars; one submission).

Conditions:
Peroxisome biogenesis disorder. Identifiers: Orphanet 79189, MedGen C1832200, MONDO:0019234. Disease mechanism: loss of function.

Submission:

Myriad Genetics, Inc.
Classification: Likely pathogenic for Peroxisome biogenesis disorder. Last evaluated: 2022-02-20. Review status: criteria provided, single submitter. Criteria: Myriad Autosomal Dominant, Autosomal Recessive and X-Linked Classification Criteria (2023). Collection method: clinical testing. Allele origin: unknown.
Comment: NM_000466.2(PEX1):c.2142_2143delTC(Q715Afs*26) is expected to be pathogenic in the context of peroxisome biogenesis disorder type 1. This variant is predicted to lead to an abnormal or absent protein product due to the creation of a premature termination codon in PEX1, a gene where loss-of-function variants are known to be pathogenic. Please note: this variant was assessed in the context of healthy population screening.